The following is an entry in ClinVar:

NM_000552.5(VWF):c.3008A>G (p.Gln1003Arg)

Gene: VWF (von Willebrand factor; minus strand). Cytogenetic location: 12p13.31.
Variant type: single nucleotide variant.
Coding change: c.3008A>G on transcript NM_000552.5 (MANE Select); coding-DNA position 3008, A replaced by G.
Protein change: p.Gln1003Arg; replaces glutamine 1003 with arginine.
Molecular consequence: missense variant.
Genome position (GRCh38, 1-based): chr12:6,026,006, T>C on the plus strand (A>G on the coding strand, the complement: VWF is on the minus strand). VCF-style: chr12-6026006-T-C. GRCh37 (hg19) VCF-style: chr12-6135172-T-C.
Other names: short protein forms Q1003R.
Identifiers: ClinVar variation 4977746 (VCV004977746.1).

ClinVar aggregate classification (germline): Uncertain significance (1 of 4 stars; one submission).

Conditions:
VWF-related disorder. Also called: VWF-related condition; VWF-related disorders.

gnomAD v4.1: 127 of 1,613,878 alleles (0.0079%); highest among the groups gnomAD compares: Admixed American, 0.01%; no homozygotes.

Submission:

PreventionGenetics, part of Exact Sciences
Classification: Uncertain significance for VWF-related condition. Last evaluated: 2025-04-25. Review status: criteria provided, single submitter. Criteria: ACMG Guidelines, 2015. Collection method: clinical testing. Allele origin: germline.
Comment: The VWF c.3008A>G variant is predicted to result in the amino acid substitution p.Gln1003Arg. To our knowledge, this variant has not been reported in the literature. This variant is reported in 0.0078% of alleles in individuals of European (Non-Finnish) descent in gnomAD. At this time, the clinical significance of this variant is uncertain due to the absence of conclusive functional and genetic evidence.